The following is an entry in ClinVar:

NM_001291867.2(NHS):c.3316C>T (p.His1106Tyr)

Gene: NHS (NHS actin remodeling regulator; plus strand). Cytogenetic location: Xp22.13.
Variant type: single nucleotide variant.
Coding change: c.3316C>T on transcript NM_001291867.2 (MANE Select); coding-DNA position 3316, C replaced by T.
Protein change: p.His1106Tyr; replaces histidine 1106 with tyrosine.
Molecular consequence: missense variant.
Genome position (GRCh38, 1-based): chrX:17,727,422, C>T. VCF-style: chrX-17727422-C-T. GRCh37 (hg19) VCF-style: chrX-17745542-C-T.
Other names: c.2785C>T, p.His929Tyr (NM_001136024.4); c.2722C>T, p.His908Tyr (NM_001291868.2); c.3253C>T, p.His1085Tyr (NM_198270.4); short protein forms H1085Y, H1106Y, H908Y, H929Y.
Identifiers: ClinVar variation 1309489 (VCV001309489.2), dbSNP rs2066454449, ClinGen allele CA412363389.

ClinVar aggregate classification (germline): Uncertain significance (1 of 4 stars; one submission).

Allele frequency attached by ClinVar (database versions not stated): TOPMed 0.00001; gnomAD exomes 0.00003.
gnomAD v4.1: 16 of 1,211,655 alleles (0.0013%); highest among the groups gnomAD compares: Non-Finnish European, 0.0018%; no homozygotes.

Submission:

GeneDx
Classification: Uncertain significance. Last evaluated: 2019-11-07. Review status: criteria provided, single submitter. Criteria: GeneDx Variant Classification Process June 2021. Collection method: clinical testing. Allele origin: germline. Affected: yes.
Comment: Not observed in large population cohorts (Lek et al., 2016); In silico analysis, which includes protein predictors and evolutionary conservation, supports that this variant does not alter protein structure/function; Has not been previously published as pathogenic or benign to our knowledge